The following is an entry in ClinVar:

ClinVar aggregate classification (germline): Uncertain significance. Review status: criteria provided, multiple submitters, no conflicts (2 of 4 stars). 2 submissions from 2 submitters: Uncertain significance (2). Last evaluated 2025-12-29.

Conditions:
Hereditary cancer-predisposing syndrome. Also called: Tumor predisposition; Hereditary Cancer Syndrome; Hereditary neoplastic syndrome; Neoplastic Syndromes, Hereditary. Identifiers: Orphanet 140162, MedGen C0027672, MeSH D009386, MONDO:0015356.
Familial meningioma. Also called: Meningioma, familial, susceptibility to. Identifiers: Orphanet 263662, MedGen C3551915, MONDO:0011789, OMIM 607174.

Submissions (2):

Labcorp Genetics (formerly Invitae), Labcorp
Classification: Uncertain significance for Familial meningioma. Last evaluated: 2025-12-29. Review status: criteria provided, single submitter. Criteria: Invitae Variant Classification Sherloc (09022015). Collection method: clinical testing. Allele origin: germline.
Comment: This sequence change replaces glycine, which is neutral and non-polar, with aspartic acid, which is acidic and polar, at codon 275 of the SMARCE1 protein (p.Gly275Asp). This variant is not present in population databases (gnomAD no frequency). This variant has not been reported in the literature in individuals affected with SMARCE1-related conditions. ClinVar contains an entry for this variant (Variation ID: 486511). An algorithm developed to predict the effect of missense changes on protein structure and function (PolyPhen-2) suggests that this variant is likely to be disruptive. In summary, the available evidence is currently insufficient to determine the role of this variant in disease. Therefore, it has been classified as a Variant of Uncertain Significance.

Ambry Genetics
Classification: Uncertain significance for Hereditary cancer-predisposing syndrome. Last evaluated: 2017-04-06. Review status: criteria provided, single submitter. Criteria: Ambry Variant Classification Scheme 2023. Collection method: clinical testing. Allele origin: germline.
Comment: The p.G275D variant (also known as c.824G>A), located in coding exon 9 of the SMARCE1 gene, results from a G to A substitution at nucleotide position 824. The glycine at codon 275 is replaced by aspartic acid, an amino acid with similar properties. This amino acid position is not well conserved in available vertebrate species. In addition, this alteration is predicted to be tolerated by in silico analysis. Since supporting evidence is limited at this time, the clinical significance of this alteration remains unclear.

NM_003079.5(SMARCE1):c.824G>A (p.Gly275Asp)

Gene: SMARCE1 (SWI/SNF related BAF chromatin remodeling complex subunit E1; minus strand). Cytogenetic location: 17q21.2.
Variant type: single nucleotide variant.
Coding change: c.824G>A on transcript NM_003079.5 (MANE Select); coding-DNA position 824, G replaced by A.
Protein change: p.Gly275Asp; replaces glycine 275 with aspartic acid.
Molecular consequence: missense variant.
Genome position (GRCh38, 1-based): chr17:40,630,917, C>T on the plus strand (G>A on the coding strand, the complement: SMARCE1 is on the minus strand). VCF-style: chr17-40630917-C-T. GRCh37 (hg19) VCF-style: chr17-38787169-C-T.
Other names: short protein forms G275D.
Identifiers: ClinVar variation 486511 (VCV000486511.8), dbSNP rs1555605260, ClinGen allele CA399363983.